The following is an entry in ClinVar:

ClinVar aggregate classification (germline): Uncertain significance (1 of 4 stars; one submission).

Conditions:
Aortic aneurysm, familial thoracic 4 (AAT4). Also called: AORTIC ANEURYSM/AORTIC DISSECTION AND PATENT DUCTUS ARTERIOSUS. Identifiers: MedGen C1851504, MONDO:0007568, OMIM 132900.

Submission:

Labcorp Genetics (formerly Invitae), Labcorp
Classification: Uncertain significance for Aortic aneurysm, familial thoracic 4. Last evaluated: 2024-11-06. Review status: criteria provided, single submitter. Criteria: Invitae Variant Classification Sherloc (09022015). Collection method: clinical testing. Allele origin: germline.
Comment: This sequence change replaces glutamic acid, which is acidic and polar, with aspartic acid, which is acidic and polar, at codon 1047 of the MYH11 protein (p.Glu1047Asp). This variant is not present in population databases (gnomAD no frequency). This variant has not been reported in the literature in individuals affected with MYH11-related conditions. An algorithm developed to predict the effect of missense changes on protein structure and function (PolyPhen-2) suggests that this variant is likely to be disruptive. In summary, the available evidence is currently insufficient to determine the role of this variant in disease. Therefore, it has been classified as a Variant of Uncertain Significance.

NM_002474.3(MYH11):c.3120A>C (p.Glu1040Asp)

Gene: MYH11 (myosin heavy chain 11; minus strand). Cytogenetic location: 16p13.11.
Variant type: single nucleotide variant.
Coding change: c.3120A>C on transcript NM_002474.3 (MANE Select); coding-DNA position 3120, A replaced by C.
Protein change: p.Glu1040Asp; replaces glutamic acid 1040 with aspartic acid.
Molecular consequence: missense variant.
Genome position (GRCh38, 1-based): chr16:15,738,566, T>G on the plus strand (A>C on the coding strand, the complement: MYH11 is on the minus strand). VCF-style: chr16-15738566-T-G. GRCh37 (hg19) VCF-style: chr16-15832423-T-G.
Other names: c.3141A>C, p.Glu1047Asp (NM_001040113.2, NM_001040114.2); c.3120A>C, p.Glu1040Asp (NM_022844.3); short protein forms E1040D, E1047D.
Identifiers: ClinVar variation 3724804 (VCV003724804.2).